The following is an entry in ClinVar:

NM_000540.3(RYR1):c.5002_5028del (p.Leu1668_Gly1676del)

Gene: RYR1 (ryanodine receptor 1; plus strand). Cytogenetic location: 19q13.2.
Variant type: Deletion.
Coding change: c.5002_5028del on transcript NM_000540.3 (MANE Select); coding-DNA positions 5002 to 5028, 27 bases deleted (CTCTACCGCGCTGTGTGCGCCCTGGGC).
Protein change: p.Leu1668_Gly1676del.
Molecular consequence: inframe deletion.
Genome position (GRCh38, 1-based): chr19:38,485,657-38,485,683, CTCTACCGCGCTGTGTGCGCCCTGGGC deleted; deleting any 27 consecutive bases within chr19:38,485,655-38,485,683 gives the same sequence; the c. name uses the placement nearest the transcript's 3' end. VCF-style (leftmost placement, unchanged base first): chr19-38485654-CGCCTCTACCGCGCTGTGTGCGCCCTGG-C. GRCh37 (hg19) VCF-style: chr19-38976294-CGCCTCTACCGCGCTGTGTGCGCCCTGG-C.
Other names: c.5002_5028delCTCTACCGCGCTGTGTGCGCCCTGGGC (NM_000540.2); c.5002_5028del (NM_000540.2); c.5002_5028del, p.Leu1668_Gly1676del (NM_001042723.2).
Identifiers: ClinVar variation 647555 (VCV000647555.11), dbSNP rs751866564, ClinGen allele CA9415806.

ClinVar aggregate classification (germline): Uncertain significance. Review status: criteria provided, multiple submitters, no conflicts (2 of 4 stars). 4 submissions from 4 submitters: Uncertain significance (4). Last evaluated 2025-04-17.

Conditions:
RYR1-related disorder. Also called: RYR1-related condition; RYR1-related disorders. Identifiers: MedGen CN239331.
Malignant hyperthermia, susceptibility to, 1 (MHS1). Also called: RYR1-Related Malignant Hyperthermia Susceptibility; Anesthesia related hyperthermia; Malignant hyperpyrexia; Fulminating hyperpyrexia; Pharmacogenic myopathy; Malignant hyperthermia suceptibility 1. Identifiers: Orphanet 423, MedGen C2930980, MONDO:0007783, OMIM 145600.

Submissions (4):

GeneDx
Classification: Uncertain significance. Last evaluated: 2025-04-17. Review status: criteria provided, single submitter. Criteria: GeneDx Variant Classification Process June 2021. Collection method: clinical testing. Allele origin: germline. Affected: yes.
Comment: Not observed at significant frequency in large population cohorts (gnomAD); In-frame deletion of 9 amino acids in a non-repeat region; In silico analysis supports a deleterious effect on protein structure/function; Has not been previously published as pathogenic or benign to our knowledge

All of Us Research Program, National Institutes of Health
Classification: Uncertain significance for Malignant hyperthermia, susceptibility to, 1. Last evaluated: 2023-08-15. Review status: criteria provided, single submitter. Criteria: ACMG Guidelines, 2015. Collection method: clinical testing. Allele origin: germline. Inheritance: Autosomal dominant inheritance. Observed: 1 variant allele, 1 heterozygote.
Comment: This variant results in the in-frame deletion of 9 amino acids in the RYR1 protein. To our knowledge, functional studies have not been reported for this variant. This variant has not been reported in individuals affected with RYR1-related disorders in the literature. This variant has been identified in 2/246410 chromosomes in the general population by the Genome Aggregation Database (gnomAD). The available evidence is insufficient to determine the role of this variant in disease conclusively. Therefore, this variant is classified as a Variant of Uncertain Significance.

This study involves interpretation of variants in research participants for the purpose of population health screening. Participant phenotype was not available at the time of variant classification. Additional details can be found in publication PMID: 35346344, PMCID: PMC8962531

Labcorp Genetics (formerly Invitae), Labcorp
Classification: Uncertain significance for RYR1-related disorder. Last evaluated: 2021-05-04. Review status: criteria provided, single submitter. Criteria: Invitae Variant Classification Sherloc (09022015). Collection method: clinical testing. Allele origin: germline.
Comment: This variant has not been reported in the literature in individuals with RYR1-related disease. This variant is present in population databases (rs751866564, ExAC 0.002%). This variant, c.5002_5028del, results in the deletion of 9 amino acid(s) of the RYR1 protein (p.Leu1668_Gly1676del), but otherwise preserves the integrity of the reading frame. In summary, the available evidence is currently insufficient to determine the role of this variant in disease. Therefore, it has been classified as a Variant of Uncertain Significance. Experimental studies and prediction algorithms are not available for this variant, and the functional significance of the affected amino acid(s) is currently unknown.

Revvity Omics, Revvity
Classification: Uncertain significance. Last evaluated: 2019-09-13. Review status: criteria provided, single submitter. Criteria: ACMG Guidelines, 2015. Collection method: clinical testing. Allele origin: germline.